The following is an entry in ClinVar:

NM_182915.3(STEAP3):c.523-4G>A

Genes: STEAP3 (STEAP3 metalloreductase; plus strand), STEAP3-AS1 (STEAP3 antisense RNA 1; minus strand). Cytogenetic location: 2q14.2.
Variant type: single nucleotide variant.
Coding change: c.523-4G>A on transcript NM_182915.3 (MANE Select); 4 bases into the intron before coding-DNA position 523, G replaced by A.
Molecular consequence: intron variant.
Genome position (GRCh38, 1-based): chr2:119,247,675, G>A. VCF-style: chr2-119247675-G-A. GRCh37 (hg19) VCF-style: chr2-120005251-G-A.
Other names: c.493-4G>A (NM_018234.3, NM_138637.3, NM_001008410.2 and 1 more transcripts).
Identifiers: ClinVar variation 2765180 (VCV002765180.5), dbSNP rs201456752, ClinGen allele CA1846623.

ClinVar aggregate classification (germline): Benign. Review status: criteria provided, single submitter (1 of 4 stars). 2 submissions from 2 submitters: Benign (1). 1 of the submissions does not count toward it. Last evaluated 2025-01-19.

Conditions:
STEAP3-related disorder. Also called: STEAP3-related condition.

Allele frequency attached by ClinVar (database versions not stated): ESP Exome Variant Server 0.00015; 1000 Genomes Project 30x 0.00047; 1000 Genomes Project 0.00060.
gnomAD v4.1: 371 of 1,516,746 alleles (0.024%); highest among the groups gnomAD compares: East Asian, 0.44%; 1 homozygote.

Submissions (2):

Labcorp Genetics (formerly Invitae), Labcorp
Classification: Benign. Last evaluated: 2025-01-19. Review status: criteria provided, single submitter. Criteria: Invitae Variant Classification Sherloc (09022015). Collection method: clinical testing. Allele origin: germline.

PreventionGenetics, part of Exact Sciences
Classification: Likely benign for STEAP3-related condition. Last evaluated: 2019-12-03. Review status: no assertion criteria provided. Collection method: clinical testing. Allele origin: germline. Not counted in ClinVar's aggregate classification.
Comment: This variant is classified as likely benign based on ACMG/AMP sequence variant interpretation guidelines (Richards et al. 2015 PMID: 25741868, with internal and published modifications).